The following is an entry in ClinVar:

ClinVar aggregate classification (germline): Conflicting classifications of pathogenicity. Review status: criteria provided, conflicting classifications (1 of 4 stars). 6 submissions from 6 submitters: Uncertain significance (1); Benign (1); Likely benign (2). 2 of the submissions do not count toward it. Last evaluated 2026-03-01.

Allele frequency attached by ClinVar (database versions not stated): 1000 Genomes Project 30x 0.00047; gnomAD exomes 0.00076; gnomAD 0.00154 and 0.00157; ExAC 0.00155.
gnomAD v4.1: 1,255 of 1,353,818 alleles (0.093%); highest among the groups gnomAD compares: African/African-American, 0.29%; 3 homozygotes.

Submissions (6):

CeGaT Center for Human Genetics Tuebingen
Classification: Likely benign. Last evaluated: 2026-03-01. Review status: criteria provided, single submitter. Criteria: CeGaT Center For Human Genetics Tuebingen Variant Classification Criteria Version 2. Collection method: clinical testing. Allele origin: germline. Affected: yes. Observed: 13 variant alleles.
Comment: MAGEL2: BP4, BP7

Labcorp Genetics (formerly Invitae), Labcorp
Classification: Benign. Last evaluated: 2026-01-14. Review status: criteria provided, single submitter. Criteria: Invitae Variant Classification Sherloc (09022015). Collection method: clinical testing. Allele origin: germline.

Blueprint Genetics
Classification: Likely benign. Last evaluated: 2024-11-26. Review status: criteria provided, single submitter. Criteria: ACMG Guidelines, 2015. Collection method: clinical testing. Allele origin: germline.

Eurofins Ntd Llc (ga)
Classification: Uncertain significance. Last evaluated: 2015-12-02. Review status: criteria provided, single submitter. Criteria: EGL Classification Definitions 2015. Collection method: clinical testing. Allele origin: germline. Observed: 2 variant alleles, 2 heterozygotes.

Clinical Genetics DNA and cytogenetics Diagnostics Lab, Erasmus MC, Erasmus Medical Center
Classification: Likely benign. Review status: no assertion criteria provided. Collection method: clinical testing. Allele origin: germline. Affected: yes. Study: VKGL Data-share Consensus. Not counted in ClinVar's aggregate classification.

Clinical Genetics, Academic Medical Center
Classification: Likely benign. Review status: no assertion criteria provided. Collection method: clinical testing. Allele origin: germline. Affected: yes. Study: VKGL Data-share Consensus. Not counted in ClinVar's aggregate classification.

NM_019066.5(MAGEL2):c.1470G>A (p.Pro490=)

Gene: MAGEL2 (MAGE family member L2; minus strand). Cytogenetic location: 15q11.2.
Variant type: single nucleotide variant.
Coding change: c.1470G>A on transcript NM_019066.5 (MANE Select); coding-DNA position 1470, G replaced by A.
Protein change: p.Pro490=; no amino-acid change (proline 490 retained).
Molecular consequence: synonymous variant.
Genome position (GRCh38, 1-based): chr15:23,646,273, C>T on the plus strand (G>A on the coding strand, the complement: MAGEL2 is on the minus strand). VCF-style: chr15-23646273-C-T. GRCh37 (hg19) VCF-style: chr15-23891420-C-T.
Identifiers: ClinVar variation 281719 (VCV000281719.43), dbSNP rs771501846, ClinGen allele CA7430037.